The following is an entry in ClinVar:

NM_000466.3(PEX1):c.512_513delinsTTTAAACAAGCACTTCAAA (p.Thr171delinsIleTer)

Gene: PEX1 (peroxisomal biogenesis factor 1; minus strand). Cytogenetic location: 7q21.2.
Variant type: Indel.
Coding change: c.512_513delinsTTTAAACAAGCACTTCAAA on transcript NM_000466.3 (MANE Select); coding-DNA positions 512 to 513, CT replaced by TTTAAACAAGCACTTCAAA.
Protein change: p.Thr171delinsIleTer.
Molecular consequence: nonsense. On other transcripts: 5 prime UTR variant (1).
Genome position (GRCh38, 1-based): chr7:92,518,002-92,518,003, AG replaced by TTTGAAGTGCTTGTTTAAA on the plus strand (CT replaced by TTTAAACAAGCACTTCAAA on the coding strand, the reverse complement: PEX1 is on the minus strand). VCF-style: chr7-92518002-AG-TTTGAAGTGCTTGTTTAAA. GRCh37 (hg19) VCF-style: chr7-92147316-AG-TTTGAAGTGCTTGTTTAAA.
Other names: c.512_513delinsTTTAAACAAGCACTTCAAA, p.Thr171delinsIleTer (NM_001282677.2); c.-113_-112delinsTTTAAACAAGCACTTCAAA (NM_001282678.2).
Identifiers: ClinVar variation 1725305 (VCV001725305.3), dbSNP rs2484704272, ClinGen allele CA2580077848.
Genomic context (GRCh38, chr7:92,518,002, plus strand): 5'-TTTTGAAAATGTATTCTCTTTGGCTCGGCGTGTCTTTGGCTGAATAAGGAGTTTGGTGTC[AG>TTTGAAGTGCTTGTTTAAA]TTTCCAGCCTTCCATAAGAGGCAGCTGGTATTAGTGCAACTGTGTAGAAAATAAAGCTCA-3'

ClinVar aggregate classification (germline): Likely pathogenic (1 of 4 stars; one submission).

Conditions:
Peroxisome biogenesis disorder. Identifiers: Orphanet 79189, MedGen C1832200, MONDO:0019234. Disease mechanism: loss of function.

Submission:

Myriad Genetics, Inc.
Classification: Likely pathogenic for Peroxisome biogenesis disorder. Last evaluated: 2022-03-15. Review status: criteria provided, single submitter. Criteria: Myriad Autosomal Dominant, Autosomal Recessive and X-Linked Classification Criteria (2023). Collection method: clinical testing. Allele origin: unknown.
Comment: NM_000466.2(PEX1):c.512_513del2ins19(T171Ifs*2) is expected to be pathogenic in the context of peroxisome biogenesis disorder type 1. This variant is predicted to lead to an abnormal or absent protein product due to the creation of a premature termination codon in PEX1, a gene where loss-of-function variants are known to be pathogenic. Please note: this variant was assessed in the context of healthy population screening.